The following is an entry in ClinVar:

NM_000212.3(ITGB3):c.670G>A (p.Asp224Asn)

Gene: ITGB3 (integrin subunit beta 3; plus strand). Cytogenetic location: 17q21.32.
Variant type: single nucleotide variant.
Coding change: c.670G>A on transcript NM_000212.3 (MANE Select); coding-DNA position 670, G replaced by A.
Protein change: p.Asp224Asn; replaces aspartic acid 224 with asparagine.
Molecular consequence: missense variant.
Genome position (GRCh38, 1-based): chr17:47,286,315, G>A. VCF-style: chr17-47286315-G-A. GRCh37 (hg19) VCF-style: chr17-45363681-G-A.
Other names: NM_000212.3(ITGB3):c.670G>A; p.Asp224Asn; short protein forms D224N.
Identifiers: ClinVar variation 890135 (VCV000890135.6), dbSNP rs763017753, ClinGen allele CA8623019.
Genomic context (GRCh38, chr17:47,286,315, plus strand): 5'-CCCAGTATGAAGACCACCTGCTTGCCCATGTTTGGCTACAAACACGTGCTGACGCTAACT[G>A]ACCAGGTGACCCGCTTCAATGAGGAAGTGAAGAAGCAGAGTGTGTCACGGAACCGAGATG-3'
Protein context (NP_000203.2, residues 214-234): FGYKHVLTLT[Asp224Asn]QVTRFNEEVK

ClinVar aggregate classification (germline): Uncertain significance. Review status: reviewed by expert panel (3 of 4 stars). 4 submissions from 4 submitters: Uncertain significance (1). 3 of the submissions do not count toward it. Last evaluated 2023-09-07.

Conditions:
Glanzmann thrombasthenia. Also called: PLATELET GLYCOPROTEIN IIb-IIIa DEFICIENCY; BLEEDING DISORDER, PLATELET-TYPE, 2; THROMBASTHENIA OF GLANZMANN AND NAEGELI; Thrombasthenia; Glanzmann's thrombasthenia. Identifiers: Orphanet 849, MedGen C0040015, MONDO:0100326.
Inborn genetic diseases. Identifiers: MedGen C0950123, MeSH D030342.

Allele frequency attached by ClinVar (database versions not stated): gnomAD exomes 0.00010 and 0.00018; ExAC 0.00013; gnomAD 0.00025 and 0.00026; TOPMed 0.00037.
gnomAD v4.1: 190 of 1,614,034 alleles (0.012%); highest among the groups gnomAD compares: Admixed American, 0.11%; no homozygotes.

Submissions (4):

ClinGen Platelet Disorders Variant Curation Expert Panel, ClinGen
Classification: Uncertain significance for Glanzmann thrombasthenia. Last evaluated: 2023-09-07. Review status: reviewed by expert panel. Criteria: ClinGen Platelet ACMG Specifications v2-1. Collection method: curation. Allele origin: germline. Inheritance: Autosomal recessive inheritance.
Comment: The c.670G>A variant in ITGB3 is a missense variant predicted to cause substitution of Aspartic Acid by Asparagine at amino acid 224 (p.Asp224Asn). This variant was observed as part of a predisposition screen in an ostensibly healthy population by Illumina. No ACMG/AMP criteria could be applied to this variant. In summary, this variant meets the criteria to be classified as Uncertain significance - insufficient evidence for autosomal recessive Glanzmann Thrombasthenia based on the ACMG/AMP criteria applied, as specified by the ClinGen PD VCEP (VCEP specifications version 2).

Ambry Genetics
Classification: Uncertain significance for Inborn genetic diseases. Last evaluated: 2024-11-21. Review status: criteria provided, single submitter. Criteria: Ambry Variant Classification Scheme 2023. Collection method: clinical testing. Allele origin: germline. Not counted in ClinVar's aggregate classification.

Labcorp Genetics (formerly Invitae), Labcorp
Classification: Uncertain significance. Last evaluated: 2022-04-29. Review status: criteria provided, single submitter. Criteria: Invitae Variant Classification Sherloc (09022015). Collection method: clinical testing. Allele origin: germline. Not counted in ClinVar's aggregate classification.
Comment: This sequence change replaces aspartic acid, which is acidic and polar, with asparagine, which is neutral and polar, at codon 224 of the ITGB3 protein (p.Asp224Asn). This variant is present in population databases (rs763017753, gnomAD 0.09%). This variant has not been reported in the literature in individuals affected with ITGB3-related conditions. ClinVar contains an entry for this variant (Variation ID: 890135). Algorithms developed to predict the effect of missense changes on protein structure and function (SIFT, PolyPhen-2, Align-GVGD) all suggest that this variant is likely to be tolerated. In summary, the available evidence is currently insufficient to determine the role of this variant in disease. Therefore, it has been classified as a Variant of Uncertain Significance.

Illumina Laboratory Services, Illumina
Classification: Uncertain significance for Glanzmann thrombasthenia 1. Last evaluated: 2017-04-28. Review status: criteria provided, single submitter. Criteria: ICSL Variant Classification Criteria 13 December 2019. Collection method: clinical testing. Allele origin: germline. Not counted in ClinVar's aggregate classification.